The following is an entry in ClinVar:

ClinVar aggregate classification (germline): Uncertain significance. Review status: criteria provided, multiple submitters, no conflicts (2 of 4 stars). 2 submissions from 2 submitters: Uncertain significance (2). Last evaluated 2026-06-27.

Conditions:
Capillary malformation-arteriovenous malformation syndrome. Also called: Capillary malformation-arteriovenous malformation. Identifiers: Orphanet 137667, MedGen C1842180, MONDO:0012016.

Submissions (2):

GeneDx
Classification: Uncertain significance. Last evaluated: 2026-06-27. Review status: criteria provided, single submitter. Criteria: GeneDx Variant Classification Process June 2021. Collection method: clinical testing. Allele origin: germline.
Comment: Not observed at significant frequency in large population cohorts (gnomAD); In silico analysis supports that this missense variant has a deleterious effect on protein structure/function; Has not been previously published as pathogenic or benign to our knowledge

Labcorp Genetics (formerly Invitae), Labcorp
Classification: Uncertain significance for Capillary malformation-arteriovenous malformation syndrome. Last evaluated: 2024-10-07. Review status: criteria provided, single submitter. Criteria: Invitae Variant Classification Sherloc (09022015). Collection method: clinical testing. Allele origin: germline.
Comment: This sequence change replaces leucine, which is neutral and non-polar, with proline, which is neutral and non-polar, at codon 1033 of the RASA1 protein (p.Leu1033Pro). This variant is not present in population databases (gnomAD no frequency). This variant has not been reported in the literature in individuals affected with RASA1-related conditions. An algorithm developed to predict the effect of missense changes on protein structure and function (PolyPhen-2) suggests that this variant is likely to be disruptive. In summary, the available evidence is currently insufficient to determine the role of this variant in disease. Therefore, it has been classified as a Variant of Uncertain Significance.

NM_002890.3(RASA1):c.3098T>C (p.Leu1033Pro)

Genes: CCNH (cyclin H; minus strand), RASA1 (RAS p21 protein activator 1; plus strand). Cytogenetic location: 5q14.3.
Variant type: single nucleotide variant.
Coding change: c.3098T>C on transcript NM_002890.3 (MANE Select); coding-DNA position 3098, T replaced by C.
Protein change: p.Leu1033Pro; replaces leucine 1033 with proline.
Molecular consequence: missense variant. On other transcripts: 3 prime UTR variant (2), non-coding transcript variant (1), intron variant (1).
Genome position (GRCh38, 1-based): chr5:87,390,837, T>C. VCF-style: chr5-87390837-T-C. GRCh37 (hg19) VCF-style: chr5-86686654-T-C.
Other names: c.2567T>C, p.Leu856Pro (NM_022650.3); c.*2023A>G (NM_001363539.2, NM_001364076.2); c.933+4207A>G (NM_001364075.2); short protein forms L856P, L1033P.
Identifiers: ClinVar variation 3722384 (VCV003722384.4).